The following is an entry in ClinVar:

NM_001127222.2(CACNA1A):c.3429C>G (p.Ser1143Arg)

Gene: CACNA1A (calcium voltage-gated channel subunit alpha1 A; minus strand). Cytogenetic location: 19p13.13.
Variant type: single nucleotide variant.
Coding change: c.3429C>G on transcript NM_001127222.2 (MANE Select); coding-DNA position 3429, C replaced by G.
Protein change: p.Ser1143Arg; replaces serine 1143 with arginine.
Molecular consequence: missense variant.
Genome position (GRCh38, 1-based): chr19:13,286,627, G>C on the plus strand (C>G on the coding strand, the complement: CACNA1A is on the minus strand). VCF-style: chr19-13286627-G-C. GRCh37 (hg19) VCF-style: chr19-13397441-G-C.
Other names: c.3441C>G, p.Ser1147Arg (NM_000068.4, NM_023035.3); c.3432C>G, p.Ser1144Arg (NM_001127221.2, NM_001174080.2); short protein forms S1144R, S1143R, S1147R.
Identifiers: ClinVar variation 589816 (VCV000589816.7), dbSNP rs746195332, ClinGen allele CA9240320.

ClinVar aggregate classification (germline): Uncertain significance. Review status: criteria provided, multiple submitters, no conflicts (2 of 4 stars). 2 submissions from 2 submitters: Uncertain significance (2). Last evaluated 2025-11-17.

Conditions:
Inborn genetic diseases. Identifiers: MedGen C0950123, MeSH D030342.

Allele frequency attached by ClinVar (database versions not stated): TOPMed below 0.00001; gnomAD 0.00001.
gnomAD v4.1: 9 of 1,527,482 alleles (0.00059%); highest among the groups gnomAD compares: Non-Finnish European, 0.0007%; no homozygotes.

Submissions (2):

GeneDx
Classification: Uncertain significance. Last evaluated: 2025-11-17. Review status: criteria provided, single submitter. Criteria: GeneDx Variant Classification Process June 2021. Collection method: clinical testing. Allele origin: germline. Affected: yes.
Comment: Not observed at significant frequency in large population cohorts (gnomAD); In silico analysis supports that this missense variant has a deleterious effect on protein structure/function; Has not been previously published as pathogenic or benign to our knowledge

Ambry Genetics
Classification: Uncertain significance for Inborn genetic diseases. Last evaluated: 2016-04-27. Review status: criteria provided, single submitter. Criteria: Ambry Variant Classification Scheme 2023. Collection method: clinical testing. Allele origin: germline.
Comment: The p.S1144R variant (also known as c.3432C>G), located in coding exon 20 of the CACNA1A gene, results from a C to G substitution at nucleotide position 3432. The serine at codon 1144 is replaced by arginine, an amino acid with dissimilar properties. This variant was not reported in population based cohorts in the following databases: Database of Single Nucleotide Polymorphisms (dbSNP), NHLBI Exome Sequencing Project (ESP), and 1000 Genomes Project. In the ESP, this variant was not observed in 6045 samples (12090 alleles) with coverage at this position. This amino acid position is highly conserved in available vertebrate species. In addition, this alteration is predicted to be tolerated by in silico analysis. Since supporting evidence is limited at this time, the clinical significance of this alteration remains unclear.